The following continues an entry in ClinVar:

NM_000142.5(FGFR3):c.1138G>A (p.Gly380Arg)

Gene: FGFR3. ClinVar aggregate classification (germline): Pathogenic. Pathogenic (57).

Submissions 30 to 48 of 70:

Women's Health and Genetics/Laboratory Corporation of America, LabCorp
Classification: Pathogenic for Achondroplasia. Last evaluated: 2023-02-24. Review status: criteria provided, single submitter. Criteria: LabCorp Variant Classification Summary - May 2015. Collection method: clinical testing. Allele origin: germline.
Comment: Variant summary: FGFR3 c.1138G>A (p.Gly380Arg) results in a non-conservative amino acid change in the encoded protein sequence. Three of five in-silico tools predict a damaging effect of the variant on protein function. The variant was absent in 250348 control chromosomes. c.1138G>A has been reported in the literature in multiple individuals affected with Achondroplasia and observed to segregate with disease (Example: Falik-Zaccai_2000, Stoilov_1995 etc.). These data indicate that the variant is very likely to be associated with disease. Several publications report experimental evidence evaluating an impact on protein function. One study shows that the mutation increases FGFR3 dimerization in a statistically significant way (Placone_2012) and another shows that mice recapitulate the phenotypes observed in ACH patients (dose dependent), including growth retardation, disproportionate shortening of the limbs, round head, mid-face hypoplasia at birth, and kyphosis progression during postnatal development (Lee_2017) . Twenty Nine clinical diagnostic laboratories have submitted clinical-significance assessments for this variant to ClinVar after 2014 and classified as Pathogenic (n=28), VUS (n=1) . Based on the evidence outlined above, the variant was classified as pathogenic.

Yong Wu Laboratory, Medical Research Institute, Shenzhen Baoan Women’s and Children’s Hospital
Classification: Pathogenic for Crouzon syndrome-acanthosis nigricans syndrome. Last evaluated: 2022-11-19. Review status: criteria provided, single submitter. Criteria: ACMG Guidelines, 2015. Collection method: clinical testing. Allele origin: de novo. Affected: yes.

Kasturba Medical College, Manipal, Kasturba Medical College, Manipal, Manipal Academy of Higher Education, Manipal, India
Classification: Pathogenic for Achondroplasia. Last evaluated: 2022-09-05. Review status: criteria provided, single submitter. Criteria: ACMG Guidelines, 2015. Collection method: clinical testing. Allele origin: germline. Affected: yes.

MGZ Medical Genetics Center
Classification: Pathogenic for Achondroplasia. Last evaluated: 2022-07-28. Review status: criteria provided, single submitter. Criteria: ACMG Guidelines, 2015. Collection method: clinical testing. Allele origin: germline. Affected: yes. Observed: 6 variant alleles.
Comment: ACMG criteria applied: PS1, PS2, PS4, PS3_MOD, PM1, PM2_SUP, PP3

Genome Diagnostics Laboratory, The Hospital for Sick Children
Classification: Pathogenic for Connective tissue disorder. Last evaluated: 2022-07-19. Review status: criteria provided, single submitter. Criteria: ACMG Guidelines, 2015. Collection method: clinical testing. Allele origin: germline.

Genesolutions, Medical Genetics Institutes, Ho Chi Minh City, Vietnam
Classification: Pathogenic for Achondroplasia. Last evaluated: 2022-06-22. Review status: criteria provided, single submitter. Criteria: ACMG Guidelines, 2015. Collection method: clinical testing. Allele origin: de novo. Affected: yes. Observed: 2 variant alleles.

Clinical Genetics Laboratory, Skane University Hospital Lund
Classification: Pathogenic. Last evaluated: 2022-05-27. Review status: criteria provided, single submitter. Criteria: ACMG Guidelines, 2015. Collection method: clinical testing. Allele origin: germline. Affected: yes.

Kasturba Medical College, Manipal, Kasturba Medical College, Manipal, Manipal Academy of Higher Education, Manipal, India
Classification: Pathogenic for Hypochondroplasia. Last evaluated: 2022-05-09. Review status: criteria provided, single submitter. Criteria: ACMG Guidelines, 2015. Collection method: clinical testing. Allele origin: germline. Affected: yes. Observed: 3 variant alleles.

Mendelics
Classification: Pathogenic for Achondroplasia. Last evaluated: 2022-05-04. Review status: criteria provided, single submitter. Criteria: Mendelics Assertion Criteria 2019. Collection method: clinical testing. Allele origin: germline.

Medical Genetics Center, Maternal and Child Health Hospital of Hubei Province
Classification: Pathogenic for Achondroplasia. Last evaluated: 2022-01-08. Review status: criteria provided, single submitter. Criteria: ACMG Guidelines, 2015. Collection method: clinical testing. Allele origin: de novo. Affected: yes.

Department of Maternal-Fetal Biology, National Research Institute for Child Health and Development
Classification: Pathogenic for Thanatophoric dysplasia type 1. Last evaluated: 2022-01-01. Review status: criteria provided, single submitter. Criteria: ACMG Guidelines, 2015. Collection method: research. Allele origin: de novo. Affected: yes. Observed: 1 variant allele.

Baylor Genetics
Classification: Pathogenic for Achondroplasia. Last evaluated: 2021-12-27. Review status: criteria provided, single submitter. Criteria: ACMG Guidelines, 2015. Collection method: clinical testing. Allele origin: unknown.

Illumina Laboratory Services, Illumina
Classification: Pathogenic for Achondroplasia. Last evaluated: 2021-11-11. Review status: criteria provided, single submitter. Criteria: ICSLVariantClassificationCriteria RUGD 01 April 2020. Collection method: clinical testing. Allele origin: unknown.
Comment: The FGFR3 c.1138G>A (p.Gly380Arg) variant is a missense variant. Across a selection of literature, the p.Gly380Arg variant has been identified in a heterozygous state in at least 208 individuals (90%) with achondroplasia, occurring in a de novo state in the majority of cases (Bellus et al. 1995; Xue et al. 2014; Legare 2020). Additionally, the p.Gly380Arg variant has been observed in two individuals clinically diagnosed wth hypochondroplasia (Xue et al. 2014). The p.Gly380Arg variant is not reported in the Genome Aggregation Database (version 2.1.1 or version 3.2.1) in a region of good sequence coverage, suggesting that it is a rare variant. Both transgenic and knock-in mouse models that introduced the p.Gly380Arg variant into a human FGFR3 cDNA construct recapitulate the main phenotypic features of achondroplasia in a dose-dependent manner, including growth retardation, disproportionate shortening of the limbs, round head, mid-face hypoplasia at birth, and kyphosis progression during postnatal development (Segev et al. 2000; Lee et al. 2017). Based on the collective evidence, the p.Gly380Arg variant is classified as pathogenic for achondroplasia.

CENTOGENE GmbH and LLC - Guiding Precision Medicine
Classification: Pathogenic for Achondroplasia. Last evaluated: 2021-08-19. Review status: criteria provided, single submitter. Criteria: ACMG Guidelines, 2015. Collection method: clinical testing. Allele origin: de novo. Affected: yes.

Equipe Genetique des Anomalies du Developpement, Université de Bourgogne
Classification: Pathogenic for Achondroplasia. Last evaluated: 2021-05-27. Review status: criteria provided, single submitter. Criteria: ACMG Guidelines, 2015. Collection method: clinical testing. Allele origin: de novo. Affected: yes.

Victorian Clinical Genetics Services, Murdoch Childrens Research Institute
Classification: Pathogenic for Achondroplasia. Last evaluated: 2021-05-06. Review status: criteria provided, single submitter. Criteria: ACMG Guidelines, 2015. Collection method: clinical testing. Allele origin: germline. Inheritance: Autosomal dominant inheritance. Affected: yes.
Comment: Based on the classification scheme VCGS_Germline_v1.3.4, this variant is classified as Pathogenic. Following criteria are met: 0103 - Gain of function is a known mechanism of disease in this gene and are associated with skeletal dysplasias (MIM#146000, #100800, #187600, #187601; PMID: 17320202). Loss of function and dominant negative mechanisms have been proposed to cause autosomal recessive and dominant CATSHL syndrome, respectively (MIM#610474; PMID: 17033969, 24864036). (I) 0108 - This gene is associated with both recessive and dominant disease. Although predominantly associated with dominant disease, at least one family has been described with autosomal recessive CATSHL syndrome (PMID: 24864036). (I) 0115 - Variants in this gene are known to have variable expressivity. Variants typically associated with achondroplasia have also been reported in individuals with hypochondroplasia (PMID: 25614871). (I) 0200 - Variant is predicted to result in a missense amino acid change from glycine to arginine. (I) 0251 - This variant is heterozygous. (I) 0301 - Variant is absent from gnomAD (both v2 and v3). (SP) 0501 - Missense variant consistently predicted to be damaging by multiple in silico tools or highly conserved with a major amino acid change. (SP) 0600 - Variant is located in the annotated transmembrane domain (UniProt). (I) 0801 - This variant has strong previous evidence of pathogenicity in unrelated individuals. The variants c.1138G>A and c.1138G>C, both resulting in the missense change p.(Gly380Arg), are commonly reported pathogenic and account for approximately 90% of achondroplasia cases with variants in this gene (ClinVar, PMID: 25614871). (SP) 1208 - Inheritance information for this variant is not currently available in this individual. (I) Legend: (SP) - Supporting pathogenic, (I) - Information, (SB) - Supporting benign

Beijing Key Laboratry for Genetics of Birth Defects, Beijing Children's Hospital
Classification: Pathogenic for Achondroplasia. Last evaluated: 2020-12-20. Review status: criteria provided, single submitter. Criteria: ACMG Guidelines, 2015. Collection method: clinical testing. Allele origin: de novo. Affected: yes. Observed: 1 variant allele.

Breakthrough Genomics
Classification: Pathogenic for Achondroplasia. Last evaluated: 2020-09-09. Review status: criteria provided, single submitter. Criteria: ACMG Guidelines, 2015. Collection method: clinical testing. Allele origin: germline. Affected: yes.
Comment: This variant was previously reported in patients with achondroplasia, hypochondroplasia and with both achondroplasia and craniosynostosis [PMID: 22045636, 25614871, 21739570, 25691418]. Around 80% of individuals with achondroplasia have parents with average stature and have achondroplasia as the result of a de novo pathogenic variant and in more than 99% of cases of achondroplasia are caused by the identified variant (c.1138 G>A) and another point mutation (c.1138 G>C) resulting p.Gly380Arg substitution of the gene [PMID: 7913883, 20301331]. Functional studies indicate that the identified variant results in increased dimerization of the gene that subsequently increases its cellular activity in the absence of ligands [PMID: 23056398].

Cambridge Genomics Laboratory, East Genomic Laboratory Hub, NHS Genomic Medicine Service
Classification: Pathogenic for Intellectual disability. Last evaluated: 2020-03-10. Review status: criteria provided, single submitter. Criteria: ACGS Best Practice Guidelines for Variant Classification in Rare Disease 2020. Collection method: clinical testing. Allele origin: germline. Affected: yes. Observed: 1 variant allele.